The following is an entry in ClinVar:

NM_020911.2(PLXNA4):c.1926C>T (p.Thr642=)

Gene: PLXNA4 (plexin A4; minus strand). Cytogenetic location: 7q32.3.
Variant type: single nucleotide variant.
Coding change: c.1926C>T on transcript NM_020911.2 (MANE Select); coding-DNA position 1926, C replaced by T.
Protein change: p.Thr642=; no amino-acid change (threonine 642 retained).
Molecular consequence: synonymous variant.
Genome position (GRCh38, 1-based): chr7:132,226,217, G>A on the plus strand (C>T on the coding strand, the complement: PLXNA4 is on the minus strand). VCF-style: chr7-132226217-G-A. GRCh37 (hg19) VCF-style: chr7-131910976-G-A.
Other names: c.1926C>T, p.Thr642= (NM_001393897.1).
Identifiers: ClinVar variation 754881 (VCV000754881.5), dbSNP rs759080529, ClinGen allele CA4489950.

ClinVar aggregate classification (germline): Likely benign. Review status: criteria provided, single submitter (1 of 4 stars). 2 submissions from 2 submitters: Likely benign (1). 1 of the submissions does not count toward it. Last evaluated 2018-06-26.

Conditions:
PLXNA4-related disorder. Also called: PLXNA4-related condition.

Allele frequency attached by ClinVar (database versions not stated): TOPMed 0.00005.
gnomAD v4.1: 14 of 1,613,786 alleles (0.00087%); highest among the groups gnomAD compares: Admixed American, 0.0017%; no homozygotes.

Submissions (2):

Labcorp Genetics (formerly Invitae), Labcorp
Classification: Likely benign. Last evaluated: 2018-06-26. Review status: criteria provided, single submitter. Criteria: Invitae Variant Classification Sherloc (09022015). Collection method: clinical testing. Allele origin: germline.

PreventionGenetics, part of Exact Sciences
Classification: Likely benign for PLXNA4-related condition. Last evaluated: 2022-08-07. Review status: no assertion criteria provided. Collection method: clinical testing. Allele origin: germline. Not counted in ClinVar's aggregate classification.
Comment: This variant is classified as likely benign based on ACMG/AMP sequence variant interpretation guidelines (Richards et al. 2015 PMID: 25741868, with internal and published modifications).